The following is an entry in ClinVar:

NM_004795.4(KL):c.2615C>T (p.Ser872Phe)

Gene: KL (klotho; plus strand). Cytogenetic location: 13q13.1.
Variant type: single nucleotide variant.
Coding change: c.2615C>T on transcript NM_004795.4 (MANE Select); coding-DNA position 2615, C replaced by T.
Protein change: p.Ser872Phe; replaces serine 872 with phenylalanine.
Molecular consequence: missense variant.
Genome position (GRCh38, 1-based): chr13:33,061,694, C>T. VCF-style: chr13-33061694-C-T. GRCh37 (hg19) VCF-style: chr13-33635831-C-T.
Other names: short protein forms S872F.
Identifiers: ClinVar variation 3650631 (VCV003650631.2).

ClinVar aggregate classification (germline): Uncertain significance (1 of 4 stars; one submission).

Submission:

Labcorp Genetics (formerly Invitae), Labcorp
Classification: Uncertain significance. Last evaluated: 2024-04-22. Review status: criteria provided, single submitter. Criteria: Invitae Variant Classification Sherloc (09022015). Collection method: clinical testing. Allele origin: germline.
Comment: This sequence change replaces serine, which is neutral and polar, with phenylalanine, which is neutral and non-polar, at codon 872 of the KL protein (p.Ser872Phe). This variant is not present in population databases (gnomAD no frequency). This variant has not been reported in the literature in individuals affected with KL-related conditions. Advanced modeling of protein sequence and biophysical properties (such as structural, functional, and spatial information, amino acid conservation, physicochemical variation, residue mobility, and thermodynamic stability) performed at Invitae indicates that this missense variant is not expected to disrupt KL protein function with a negative predictive value of 80%. In summary, the available evidence is currently insufficient to determine the role of this variant in disease. Therefore, it has been classified as a Variant of Uncertain Significance.